The following is an entry in ClinVar:

NM_001145809.2(MYH14):c.3237G>T (p.Lys1079Asn)

Gene: MYH14 (myosin heavy chain 14; plus strand). Cytogenetic location: 19q13.33.
Variant type: single nucleotide variant.
Coding change: c.3237G>T on transcript NM_001145809.2 (MANE Select); coding-DNA position 3237, G replaced by T.
Protein change: p.Lys1079Asn; replaces lysine 1079 with asparagine.
Molecular consequence: missense variant.
Genome position (GRCh38, 1-based): chr19:50,271,914, G>T. VCF-style: chr19-50271914-G-T. GRCh37 (hg19) VCF-style: chr19-50775171-G-T.
Other names: c.3138G>T, p.Lys1046Asn (NM_001077186.2); c.3114G>T, p.Lys1038Asn (NM_024729.4); c.3237G>T (NM_001145809.1); short protein forms K1038N, K1046N, K1079N.
Identifiers: ClinVar variation 1223558 (VCV001223558.10), dbSNP rs370658125, ClinGen allele CA9593157.
Genomic context (GRCh38, chr19:50,271,914, plus strand): 5'-GAAGCTGCTGGAAGATCGTCTGGCCGAGTTCTCATCCCAGGCAGCTGAGGAGGAGGAGAA[G>T]GTCAAGAGCCTCAATAAGCTACGGCTCAAATATGAGGCCACAATCGCAGACATGGAGGGT-3'
Protein context (NP_001139281.1, residues 1069-1089): FSSQAAEEEE[Lys1079Asn]VKSLNKLRLK

ClinVar aggregate classification (germline): Conflicting classifications of pathogenicity. Review status: criteria provided, conflicting classifications (1 of 4 stars). 6 submissions from 6 submitters: Uncertain significance (4); Likely benign (1). 1 of the submissions does not count toward it. Last evaluated 2026-08-10.

Conditions:
MYH14-related disorder. Also called: MYH14-related condition.
Inborn genetic diseases. Identifiers: MedGen C0950123, MeSH D030342.
Meniere disease. Also called: Ménière's disease. Identifiers: MedGen C0025281, MONDO:0007972, OMIM 156000.

Allele frequency attached by ClinVar (database versions not stated): TOPMed 0.00003; gnomAD 0.00004; gnomAD exomes 0.00004 and 0.00017; ExAC 0.00005; ESP Exome Variant Server 0.00016.
gnomAD v4.1: 253 of 1,612,862 alleles (0.016%); highest among the groups gnomAD compares: Non-Finnish European, 0.021%; no homozygotes.

Submissions (6):

PreventionGenetics, part of Exact Sciences
Classification: Uncertain significance for MYH14-related condition. Last evaluated: 2026-08-10. Review status: criteria provided, single submitter. Criteria: ACMG Guidelines, 2015. Collection method: clinical testing. Allele origin: germline.
Comment: The MYH14 c.3237G>T variant is predicted to result in the amino acid substitution p.Lys1079Asn. To our knowledge, this variant has not been reported in the literature. This variant is reported in 0.013% of alleles in individuals of African descent in gnomAD. Although we suspect that this variant may be benign, at this time, the clinical significance of this variant is uncertain due to the absence of conclusive functional and genetic evidence.

Women's Health and Genetics/Laboratory Corporation of America, LabCorp
Classification: Likely benign. Last evaluated: 2025-07-29. Review status: criteria provided, single submitter. Criteria: LabCorp Variant Classification Summary - May 2015. Collection method: clinical testing. Allele origin: germline.
Comment: Variant summary: MYH14 c.3114G>T (p.Lys1038Asn) results in a non-conservative amino acid change located in the Myosin Tail domain (IPR002928) of the encoded protein sequence. Algorithms developed to predict the effect of missense changes on protein structure and function are either unavailable or do not agree on the potential impact of this missense change. The variant allele was found at a frequency of 4.5e-05 in 247078 control chromosomes (gnomAD). The observed variant frequency is approximately 71 fold of the estimated maximal expected allele frequency for a pathogenic variant in MYH14 causing Autosomal dominant nonsyndromic hearing loss 4A phenotype (6.3e-07). To our knowledge, no occurrence of c.3114G>T in individuals affected with Autosomal dominant nonsyndromic hearing loss 4A and no experimental evidence demonstrating its impact on protein function have been reported. ClinVar contains an entry for this variant (Variation ID: 1223558). Based on the evidence outlined above, the variant was classified as likely benign.

Labcorp Genetics (formerly Invitae), Labcorp
Classification: Uncertain significance. Last evaluated: 2025-03-31. Review status: criteria provided, single submitter. Criteria: Invitae Variant Classification Sherloc (09022015). Collection method: clinical testing. Allele origin: germline.
Comment: This sequence change replaces lysine, which is basic and polar, with asparagine, which is neutral and polar, at codon 1038 of the MYH14 protein (p.Lys1038Asn). This variant is present in population databases (rs370658125, gnomAD 0.01%). This variant has not been reported in the literature in individuals affected with MYH14-related conditions. ClinVar contains an entry for this variant (Variation ID: 1223558). Invitae Evidence Modeling of protein sequence and biophysical properties (such as structural, functional, and spatial information, amino acid conservation, physicochemical variation, residue mobility, and thermodynamic stability) indicates that this missense variant is expected to disrupt MYH14 protein function with a positive predictive value of 80%. In summary, the available evidence is currently insufficient to determine the role of this variant in disease. Therefore, it has been classified as a Variant of Uncertain Significance.

Ambry Genetics
Classification: Uncertain significance for Inborn genetic diseases. Last evaluated: 2023-09-29. Review status: criteria provided, single submitter. Criteria: Ambry Variant Classification Scheme 2023. Collection method: clinical testing. Allele origin: germline.

GeneDx
Classification: Uncertain significance. Last evaluated: 2019-11-29. Review status: criteria provided, single submitter. Criteria: GeneDx Variant Classification Process June 2021. Collection method: clinical testing. Allele origin: germline. Affected: yes.
Comment: In silico analysis, which includes protein predictors and evolutionary conservation, supports a deleterious effect; Has not been previously published as pathogenic or benign to our knowledge

Center for Computational Biology & Bioinformatics, University of California, San Diego
Classification: Uncertain significance for Meniere disease. Last evaluated: 2024-06-03. Review status: no assertion criteria provided. Collection method: research. Allele origin: germline. Affected: yes. Not counted in ClinVar's aggregate classification.